The following is an entry in ClinVar:

ClinVar aggregate classification (germline): Likely benign. Review status: criteria provided, multiple submitters, no conflicts (2 of 4 stars). 3 submissions from 3 submitters: Likely benign (3). Last evaluated 2024-03-24.

Conditions:
Malignant hyperthermia, susceptibility to, 1 (MHS1). Also called: Anesthesia related hyperthermia; Malignant hyperpyrexia; Fulminating hyperpyrexia; Pharmacogenic myopathy; RYR1-Related Malignant Hyperthermia Susceptibility; Malignant hyperthermia suceptibility 1. Identifiers: Orphanet 423, MedGen C2930980, MONDO:0007783, OMIM 145600.
RYR1-related disorder. Also called: RYR1-related disorders; RYR1-related condition. Identifiers: MedGen CN239331.

Allele frequency attached by ClinVar (database versions not stated): gnomAD exomes below 0.00001; gnomAD 0.00001.
gnomAD v4.1: 2 of 1,614,074 alleles (0.00012%); highest among the groups gnomAD compares: African/African-American, 0.0027%; no homozygotes.

Submissions (3):

All of Us Research Program, National Institutes of Health
Classification: Likely benign for Malignant hyperthermia, susceptibility to, 1. Last evaluated: 2024-03-24. Review status: criteria provided, single submitter. Criteria: ACMG Guidelines, 2015. Collection method: clinical testing. Allele origin: germline. Inheritance: Autosomal dominant inheritance. Observed: 2 variant alleles, 2 heterozygotes.
Comment: This study involves interpretation of variants in research participants for the purpose of population health screening. Participant phenotype was not available at the time of variant classification. Additional details can be found in publication PMID: 35346344, PMCID: PMC8962531

Color Diagnostics, LLC DBA Color Health
Classification: Likely benign for Malignant hyperthermia, susceptibility to, 1. Last evaluated: 2023-05-31. Review status: criteria provided, single submitter. Criteria: ACMG Guidelines, 2015. Collection method: clinical testing. Allele origin: germline.

Labcorp Genetics (formerly Invitae), Labcorp
Classification: Likely benign for RYR1-related disorder. Last evaluated: 2022-12-31. Review status: criteria provided, single submitter. Criteria: Invitae Variant Classification Sherloc (09022015). Collection method: clinical testing. Allele origin: germline.

NM_000540.3(RYR1):c.14421C>T (p.Asn4807=)

Gene: RYR1 (ryanodine receptor 1; plus strand). Cytogenetic location: 19q13.2.
Variant type: single nucleotide variant.
Coding change: c.14421C>T on transcript NM_000540.3 (MANE Select); coding-DNA position 14421, C replaced by T.
Protein change: p.Asn4807=; no amino-acid change (asparagine 4807 retained).
Molecular consequence: synonymous variant.
Genome position (GRCh38, 1-based): chr19:38,580,038, C>T. VCF-style: chr19-38580038-C-T. GRCh37 (hg19) VCF-style: chr19-39070678-C-T.
Other names: c.14406C>T, p.Asn4802= (NM_001042723.2).
Identifiers: ClinVar variation 2150937 (VCV002150937.6), dbSNP rs1043862103, ClinGen allele CA081223.